The following is an entry in ClinVar:

ClinVar aggregate classification (germline): Uncertain significance (1 of 4 stars; one submission).

Conditions:
Immunodeficiency, common variable, 10. Also called: IMMUNODEFICIENCY, COMMON VARIABLE, WITH CENTRAL ADRENAL INSUFFICIENCY; DEFICIT IN ANTERIOR PITUITARY FUNCTION AND VARIABLE IMMUNODEFICIENCY. Identifiers: MedGen C3809991, MONDO:0014260, OMIM 615577.

Submission:

Labcorp Genetics (formerly Invitae), Labcorp
Classification: Uncertain significance for Immunodeficiency, common variable, 10. Last evaluated: 2024-11-27. Review status: criteria provided, single submitter. Criteria: Invitae Variant Classification Sherloc (09022015). Collection method: clinical testing. Allele origin: germline.
Comment: This sequence change replaces serine, which is neutral and polar, with cysteine, which is neutral and slightly polar, at codon 866 of the NFKB2 protein (p.Ser866Cys). This variant is not present in population databases (gnomAD no frequency). This variant has not been reported in the literature in individuals affected with NFKB2-related conditions. An algorithm developed to predict the effect of missense changes on protein structure and function (PolyPhen-2) suggests that this variant is likely to be disruptive. In summary, the available evidence is currently insufficient to determine the role of this variant in disease. Therefore, it has been classified as a Variant of Uncertain Significance.

NM_001322934.2(NFKB2):c.2596A>T (p.Ser866Cys)

Gene: NFKB2 (nuclear factor kappa B subunit 2; plus strand). Cytogenetic location: 10q24.32.
Variant type: single nucleotide variant.
Coding change: c.2596A>T on transcript NM_001322934.2 (MANE Select); coding-DNA position 2596, A replaced by T.
Protein change: p.Ser866Cys; replaces serine 866 with cysteine.
Molecular consequence: missense variant.
Genome position (GRCh38, 1-based): chr10:102,402,269, A>T. VCF-style: chr10-102402269-A-T. GRCh37 (hg19) VCF-style: chr10-104162026-A-T.
Other names: c.2596A>T, p.Ser866Cys (NM_001077494.3); c.2593A>T, p.Ser865Cys (NM_001261403.3, NM_001288724.1, NM_002502.6); c.2470A>T, p.Ser824Cys (NM_001322935.1); short protein forms S865C, S824C, S866C.
Identifiers: ClinVar variation 3647452 (VCV003647452.2).